The following is an entry in ClinVar:

ClinVar aggregate classification (germline): Likely pathogenic (1 of 4 stars; one submission).

Conditions:
Myopathy, myofibrillar, 9, with early respiratory failure (MFM9). Also called: MYOPATHY, PROXIMAL, WITH EARLY RESPIRATORY MUSCLE INVOLVEMENT; Hereditary myopathy with early respiratory failure; Myopathy, distal, with early respiratory failure, autosomal dominant; EDSTROM MYOPATHY. Identifiers: Orphanet 178464, Orphanet 34521, MedGen C1863599, MONDO:0011362, OMIM 603689.
Dilated cardiomyopathy 1G (CMD1G). Identifiers: Orphanet 154, MedGen C1858763, MONDO:0011400, OMIM 604145.
Early-onset myopathy with fatal cardiomyopathy (CMYO5). Also called: Salih Myopathy; CONGENITAL MYOPATHY 5 WITH CARDIOMYOPATHY. Identifiers: Orphanet 289377, MedGen C2673677, MONDO:0012714, OMIM 611705. Disease mechanism: loss of function.
Tibial muscular dystrophy (TMD). Also called: Udd Distal Myopathy – Tibial Muscular Dystrophy; Tibial muscular dystrophy, tardive; UDD MYOPATHY. Identifiers: Orphanet 609, MedGen C1838244, MONDO:0010870, OMIM 600334.
Hypertrophic cardiomyopathy 9. Also called: Familial hypertrophic cardiomyopathy 9. Identifiers: MedGen C1861065, MONDO:0013412, OMIM 613765.
Autosomal recessive limb-girdle muscular dystrophy type 2J (LGMDR10). Also called: Limb-girdle muscular dystrophy, type 2J; MUSCULAR DYSTROPHY, LIMB-GIRDLE, AUTOSOMAL RECESSIVE 10. Identifiers: Orphanet 140922, MedGen C1837342, MONDO:0012127, OMIM 608807.

Submission:

Juno Genomics, Hangzhou Juno Genomics, Inc
Classification: Likely pathogenic for Early-onset myopathy with fatal cardiomyopathy; Hypertrophic cardiomyopathy 9; Myopathy, myofibrillar, 9, with early respiratory failure; Tibial muscular dystrophy; Dilated cardiomyopathy 1G; Autosomal recessive limb-girdle muscular dystrophy type 2J. Review status: criteria provided, single submitter. Criteria: ACMG Guidelines, 2015. Collection method: clinical testing. Allele origin: germline.
Comment: Absent from controls (or at extremely low frequency if recessive) in Genome Aggregation Database.;Null variant in a gene where loss of function (LOF) is a known mechanism of disease.

NM_001267550.2(TTN):c.1954_1956delinsA (p.Glu652fs)

Gene: TTN (titin; minus strand). Cytogenetic location: 2q31.2.
Variant type: Indel.
Coding change: c.1954_1956delinsA on transcript NM_001267550.2 (MANE Select); coding-DNA positions 1954 to 1956, GAG replaced by A.
Protein change: p.Glu652fs; shifts the reading frame from glutamic acid 652.
Molecular consequence: frameshift variant.
Genome position (GRCh38, 1-based): chr2:178,789,480-178,789,482, CTC replaced by T on the plus strand (GAG replaced by A on the coding strand, the reverse complement: TTN is on the minus strand). VCF-style: chr2-178789480-CTC-T. GRCh37 (hg19) VCF-style: chr2-179654207-CTC-T.
Other names: c.1954_1956delinsA, p.Glu652fs (NM_001256850.1, NM_133378.4, NM_133379.5); c.1816_1818delinsA, p.Glu606fs (NM_003319.4, NM_133432.3, NM_133437.4); short protein forms E606fs, E652fs.
Identifiers: ClinVar variation 5019035 (VCV005019035.2).